The following is an entry in ClinVar:

ClinVar aggregate classification (germline): Uncertain significance (1 of 4 stars; one submission).

Submission:

GeneDx
Classification: Uncertain significance. Last evaluated: 2026-03-27. Review status: criteria provided, single submitter. Criteria: GeneDx Variant Classification Process June 2021. Collection method: clinical testing. Allele origin: germline.
Comment: Not observed at significant frequency in large population cohorts (gnomAD); In silico analysis supports that this missense variant has a deleterious effect on protein structure/function; Has not been previously published as pathogenic or benign to our knowledge; In silico analysis suggests this variant may impact gene splicing. In the absence of RNA/functional studies, the actual effect of this sequence change is unknown..

NM_001291415.2(KDM6A):c.3476C>T (p.Pro1159Leu)

Gene: KDM6A (lysine demethylase 6A; plus strand). Cytogenetic location: Xp11.3.
Variant type: single nucleotide variant.
Coding change: c.3476C>T on transcript NM_001291415.2 (MANE Select); coding-DNA position 3476, C replaced by T.
Protein change: p.Pro1159Leu; replaces proline 1159 with leucine.
Molecular consequence: missense variant. On other transcripts: non-coding transcript variant (1).
Genome position (GRCh38, 1-based): chrX:45,083,495, C>T. VCF-style: chrX-45083495-C-T. GRCh37 (hg19) VCF-style: chrX-44942740-C-T.
Other names: c.2432C>T, p.Pro811Leu (NM_001291421.2); c.3218C>T, p.Pro1073Leu (NM_001410742.1, NM_001419814.1); c.3476C>T, p.Pro1159Leu (NM_001419809.1); c.3374C>T, p.Pro1125Leu (NM_001419810.1, NM_001419813.1); c.3341C>T, p.Pro1114Leu (NM_001419811.1, NM_001291416.2); c.3320C>T, p.Pro1107Leu (NM_001419812.1, NM_021140.4); c.3083C>T, p.Pro1028Leu (NM_001419815.1, NM_001291418.2); c.3185C>T, p.Pro1062Leu (NM_001291417.2); short protein forms P1028L, P1062L, P1073L, P1107L, P1114L, P1125L, P1159L, P811L.
Identifiers: ClinVar variation 5017706 (VCV005017706.1).